The following is an entry in ClinVar:

NM_002875.5(RAD51):c.955T>C (p.Cys319Arg)

Gene: RAD51 (RAD51 recombinase; plus strand). Cytogenetic location: 15q15.1.
Variant type: single nucleotide variant.
Coding change: c.955T>C on transcript NM_002875.5 (MANE Select); coding-DNA position 955, T replaced by C.
Protein change: p.Cys319Arg; replaces cysteine 319 with arginine.
Molecular consequence: missense variant.
Genome position (GRCh38, 1-based): chr15:40,731,113, T>C. VCF-style: chr15-40731113-T-C. GRCh37 (hg19) VCF-style: chr15-41023311-T-C.
Other names: c.958T>C, p.Cys320Arg (NM_001164269.2, NM_133487.4); c.833T>C, p.Leu278Pro (NM_001164270.2); short protein forms C319R, L278P, C320R.
Identifiers: ClinVar variation 2565485 (VCV002565485.2), dbSNP rs2504537799, ClinGen allele CA391760934.
Genomic context (GRCh38, chr15:40,731,113, plus strand): 5'-AGATTGTATCTGAGGAAAGGAAGAGGGGAAACCAGAATCTGCAAAATCTACGACTCTCCC[T>C]GTCTTCCTGAAGCTGAAGCTATGTTCGCCATTAATGCAGATGGAGTGGGAGATGCCAAAG-3'
Protein context (NP_002866.2, residues 309-329): TRICKIYDSP[Cys319Arg]LPEAEAMFAI

ClinVar aggregate classification (germline): Uncertain significance (1 of 4 stars; one submission).

Conditions:
Inborn genetic diseases. Identifiers: MedGen C0950123, MeSH D030342.

Submission:

Ambry Genetics
Classification: Uncertain significance for Inborn genetic diseases. Last evaluated: 2023-05-05. Review status: criteria provided, single submitter. Criteria: Ambry Variant Classification Scheme 2023. Collection method: clinical testing. Allele origin: germline.
Comment: The p.C319R variant (also known as c.955T>C), located in coding exon 9 of the RAD51 gene, results from a T to C substitution at nucleotide position 955. The cysteine at codon 319 is replaced by arginine, an amino acid with highly dissimilar properties. This amino acid position is conserved. In addition, this alteration is predicted to be deleterious by in silico analysis. Since supporting evidence is limited at this time, the clinical significance of this alteration remains unclear.